The following is an entry in ClinVar:

ClinVar aggregate classification (germline): Benign/Likely benign. Review status: criteria provided, multiple submitters, no conflicts (2 of 4 stars). 9 submissions from 9 submitters: Benign (1); Likely benign (5). 3 of the submissions do not count toward it. Last evaluated 2026-05-01.

Conditions:
Carnitine palmitoyl transferase 1A deficiency. Also called: Carnitine palmitoyltransferase type I deficiency; CPT I DEFICIENCY; CPT DEFICIENCY, HEPATIC, TYPE I; Carnitine palmitoyltransferase 1A deficiency; CPT deficiency, hepatic, type IA. Identifiers: Orphanet 156, MedGen C1829703, MONDO:0009705, OMIM 255120.

Allele frequency attached by ClinVar (database versions not stated): ESP Exome Variant Server 0.00023; gnomAD 0.00054 and 0.00067; TOPMed 0.00056; gnomAD exomes 0.00080; ExAC 0.00169; 1000 Genomes Project 30x 0.00203; 1000 Genomes Project 0.00220.

Submissions (9):

CeGaT Center for Human Genetics Tuebingen
Classification: Likely benign. Last evaluated: 2026-05-01. Review status: criteria provided, single submitter. Criteria: CeGaT Center For Human Genetics Tuebingen Variant Classification Criteria Version 2. Collection method: clinical testing. Allele origin: germline. Affected: yes. Observed: 3 variant alleles.
Comment: CPT1A: BP4

Labcorp Genetics (formerly Invitae), Labcorp
Classification: Benign for Carnitine palmitoyl transferase 1A deficiency. Last evaluated: 2026-01-20. Review status: criteria provided, single submitter. Criteria: Invitae Variant Classification Sherloc (09022015). Collection method: clinical testing. Allele origin: germline.

Blueprint Genetics
Classification: Likely benign. Last evaluated: 2024-11-26. Review status: criteria provided, single submitter. Criteria: ACMG Guidelines, 2015. Collection method: clinical testing. Allele origin: germline.

GeneDx
Classification: Likely benign. Last evaluated: 2017-08-02. Review status: criteria provided, single submitter. Criteria: GeneDx Variant Classification (06012015). Collection method: clinical testing. Allele origin: germline. Affected: yes.
Comment: This variant is considered likely benign or benign based on one or more of the following criteria: it is a conservative change, it occurs at a poorly conserved position in the protein, it is predicted to be benign by multiple in silico algorithms, and/or has population frequency not consistent with disease.

Eurofins Ntd Llc (ga)
Classification: Likely benign. Last evaluated: 2015-08-25. Review status: criteria provided, single submitter. Criteria: EGL Classification Definitions 2015. Collection method: clinical testing. Allele origin: germline. Observed: 1 variant allele, 1 heterozygote.

Breakthrough Genomics
Classification: Likely benign. Review status: criteria provided, single submitter. Criteria: ACMG Guidelines, 2015. Collection method: not provided. Allele origin: germline. Inheritance: Autosomal recessive inheritance. Affected: yes.

Natera, Inc.
Classification: Likely benign for Carnitine palmitoyltransferase type I deficiency. Last evaluated: 2019-12-06. Review status: no assertion criteria provided. Collection method: clinical testing. Allele origin: germline. Not counted in ClinVar's aggregate classification.

Clinical Genetics DNA and cytogenetics Diagnostics Lab, Erasmus MC, Erasmus Medical Center
Classification: Likely benign. Review status: no assertion criteria provided. Collection method: clinical testing. Allele origin: germline. Affected: yes. Study: VKGL Data-share Consensus. Not counted in ClinVar's aggregate classification.

Joint Genome Diagnostic Labs from Nijmegen and Maastricht, Radboudumc and MUMC+
Classification: Likely benign. Review status: no assertion criteria provided. Collection method: clinical testing. Allele origin: germline. Affected: yes. Study: VKGL Data-share Consensus. Not counted in ClinVar's aggregate classification.

NM_001876.4(CPT1A):c.2142+8C>T

Gene: CPT1A (carnitine palmitoyltransferase 1A; minus strand). Cytogenetic location: 11q13.3.
Variant type: single nucleotide variant.
Coding change: c.2142+8C>T on transcript NM_001876.4 (MANE Select); 8 bases into the intron after coding-DNA position 2142, C replaced by T.
Molecular consequence: intron variant.
Genome position (GRCh38, 1-based): chr11:68,760,217, G>A on the plus strand (C>T on the coding strand, the complement: CPT1A is on the minus strand). VCF-style: chr11-68760217-G-A. GRCh37 (hg19) VCF-style: chr11-68527685-G-A.
Other names: c.2142+8C>T (NM_001031847.3).
Identifiers: ClinVar variation 282930 (VCV000282930.59), dbSNP rs147563740, ClinGen allele CA6152085.
Genomic context (GRCh38, chr11:68,760,217, plus strand): 5'-CCATCACACCCCATTACCCATCCCATCACCACGCCCCACTGCGCCTCGCCCAGCCCCGCC[G>A]CACTCACCGGTCCAAAGCCCCCTCCGCTGGACACGTACTCTGGGTTATTCTCCAAGTCAA-3'